The following is an entry in ClinVar:

NM_000135.4(FANCA):c.2375G>A (p.Gly792Asp)

Gene: FANCA (FA complementation group A; minus strand). Cytogenetic location: 16q24.3.
Variant type: single nucleotide variant.
Coding change: c.2375G>A on transcript NM_000135.4 (MANE Select); coding-DNA position 2375, G replaced by A.
Protein change: p.Gly792Asp; replaces glycine 792 with aspartic acid.
Molecular consequence: missense variant.
Genome position (GRCh38, 1-based): chr16:89,769,966, C>T on the plus strand (G>A on the coding strand, the complement: FANCA is on the minus strand). VCF-style: chr16-89769966-C-T. GRCh37 (hg19) VCF-style: chr16-89836374-C-T.
Other names: c.2375G>A, p.Gly792Asp (NM_001286167.3); short protein forms G792D.
Identifiers: ClinVar variation 3848133 (VCV003848133.2).
Genomic context (GRCh38, chr16:89,769,966, plus strand): 5'-AGGCCAGCACCAGGTGCAGGAGGACCCACATCCACCTCTGGGAGCGCAGACCTGGACTCA[C>T]CCAGGTGCACGGCCAGGGCAGCCAACCCCAGCACATGTGGGGCACTCAGGCTCGGGCCCT-3'
Protein context (NP_000126.2, residues 782-802): LGLAALAVHL[Gly792Asp]ESRSALPEVD

ClinVar aggregate classification (germline): Uncertain significance. Review status: criteria provided, multiple submitters, no conflicts (2 of 4 stars). 2 submissions from 2 submitters: Uncertain significance (2). Last evaluated 2026-10-01.

Conditions:
Inborn genetic diseases. Identifiers: MedGen C0950123, MeSH D030342.
Fanconi anemia complementation group A (FANCA). Also called: FANCA-Related Fanconi Anemia; Fanconi anemia, group A. Identifiers: Orphanet 84, MedGen C3469521, MONDO:0009215, OMIM 227650.

Submissions (2):

St. Jude Molecular Pathology, St. Jude Children's Research Hospital
Classification: Uncertain significance for Fanconi anemia complementation group A. Last evaluated: 2026-10-01. Review status: criteria provided, single submitter. Criteria: St. Jude Assertion Criteria 2020. Collection method: clinical testing. Allele origin: germline.
Comment: The FANCA c.2375G>A p.(Gly792Asp) missense change is absent in gnomAD v2.1.1. The in silico tool REVEL is inconclusive about a pathogenic or benign effect of this variant on protein function, and to our knowledge functional studies have not been performed. To our knowledge, this variant has not been reported in individuals with Fanconi anemia. In s ummary, the evidence currently available is insufficient to determine the clinical significance of this variant. It has therefore been classified as of uncertain significance.

Ambry Genetics
Classification: Uncertain significance for Inborn genetic diseases. Last evaluated: 2025-01-20. Review status: criteria provided, single submitter. Criteria: Ambry Variant Classification Scheme 2023. Collection method: clinical testing. Allele origin: germline.
Comment: The p.G792D variant (also known as c.2375G>A), located in coding exon 26 of the FANCA gene, results from a G to A substitution at nucleotide position 2375. The glycine at codon 792 is replaced by aspartic acid, an amino acid with similar properties. This amino acid position is conserved. In addition, the in silico prediction for this alteration is inconclusive. Based on the available evidence, the clinical significance of this variant remains unclear.